The following is an entry in ClinVar:

ClinVar aggregate classification (germline): Uncertain significance. Review status: criteria provided, multiple submitters, no conflicts (2 of 4 stars). 2 submissions from 2 submitters: Uncertain significance (2). Last evaluated 2023-10-05.

Conditions:
Inborn genetic diseases. Identifiers: MedGen C0950123, MeSH D030342.

Allele frequency attached by ClinVar (database versions not stated): gnomAD 0.00001; TOPMed 0.00002; ExAC 0.00005; 1000 Genomes Project 0.00020; 1000 Genomes Project 30x 0.00031.
gnomAD v4.1: 3 of 1,555,074 alleles (0.00019%); highest among the groups gnomAD compares: East Asian, 0.0048%; no homozygotes.

Submissions (2):

Labcorp Genetics (formerly Invitae), Labcorp
Classification: Uncertain significance. Last evaluated: 2023-10-05. Review status: criteria provided, single submitter. Criteria: Invitae Variant Classification Sherloc (09022015). Collection method: clinical testing. Allele origin: germline.
Comment: This sequence change replaces glycine, which is neutral and non-polar, with arginine, which is basic and polar, at codon 1262 of the LAMA5 protein (p.Gly1262Arg). The frequency data for this variant in the population databases is considered unreliable, as metrics indicate poor data quality at this position in the gnomAD database. This variant has not been reported in the literature in individuals affected with LAMA5-related conditions. ClinVar contains an entry for this variant (Variation ID: 2266809). Algorithms developed to predict the effect of missense changes on protein structure and function output the following: SIFT: "Not Available"; PolyPhen-2: "Benign"; Align-GVGD: "Not Available". The arginine amino acid residue is found in multiple mammalian species, which suggests that this missense change does not adversely affect protein function. In summary, the available evidence is currently insufficient to determine the role of this variant in disease. Therefore, it has been classified as a Variant of Uncertain Significance.

Ambry Genetics
Classification: Uncertain significance for Inborn genetic diseases. Last evaluated: 2021-12-14. Review status: criteria provided, single submitter. Criteria: Ambry Variant Classification Scheme 2023. Collection method: clinical testing. Allele origin: germline.

NM_005560.6(LAMA5):c.3784G>A (p.Gly1262Arg)

Gene: LAMA5 (laminin subunit alpha 5; minus strand). Cytogenetic location: 20q13.33.
Variant type: single nucleotide variant.
Coding change: c.3784G>A on transcript NM_005560.6 (MANE Select); coding-DNA position 3784, G replaced by A.
Protein change: p.Gly1262Arg; replaces glycine 1262 with arginine.
Molecular consequence: missense variant.
Genome position (GRCh38, 1-based): chr20:62,330,811, C>T on the plus strand (G>A on the coding strand, the complement: LAMA5 is on the minus strand). VCF-style: chr20-62330811-C-T. GRCh37 (hg19) VCF-style: chr20-60905867-C-T.
Other names: short protein forms G1262R.
Identifiers: ClinVar variation 2266809 (VCV002266809.5), dbSNP rs560228542, ClinGen allele CA9942856.
Genomic context (GRCh38, chr20:62,330,811, plus strand): 5'-CACGCAGCAGGGTGGGCTCTGCATCAGGGTCCACAGCGGTGGGGGGCCGAGGTCGGGGTC[C>T]AGCTGGGGACATGGCTGGAGTGAGATCCTGCGCGTGGGTCAGCGGGAGGCCGGGCGGCAG-3'
Protein context (NP_005551.3, residues 1252-1272): QDLTPAMSPA[Gly1262Arg]PRPRPPTAVD